The following is an entry in ClinVar:

ClinVar aggregate classification (germline): Conflicting classifications of pathogenicity. Review status: criteria provided, conflicting classifications (1 of 4 stars). 2 submissions from 2 submitters: Uncertain significance (1); Likely benign (1). Last evaluated 2026-07-28.

Conditions:
Hereditary cancer-predisposing syndrome. Also called: Neoplastic Syndromes, Hereditary; Hereditary neoplastic syndrome; Hereditary Cancer Syndrome; Tumor predisposition. Identifiers: Orphanet 140162, MedGen C0027672, MeSH D009386, MONDO:0015356.

Allele frequency attached by ClinVar (database versions not stated): gnomAD exomes below 0.00001; gnomAD 0.00001; TOPMed 0.00001.
gnomAD v4.1: 3 of 1,613,908 alleles (0.00019%); highest among the groups gnomAD compares: Non-Finnish European, 0.00017%; no homozygotes.

Submissions (2):

Ambry Genetics
Classification: Likely benign for Hereditary cancer-predisposing syndrome. Last evaluated: 2026-07-28. Review status: criteria provided, single submitter. Criteria: Ambry Variant Classification Scheme 2023. Collection method: clinical testing. Allele origin: germline.

Labcorp Genetics (formerly Invitae), Labcorp
Classification: Uncertain significance. Last evaluated: 2025-06-19. Review status: criteria provided, single submitter. Criteria: Invitae Variant Classification Sherloc (09022015). Collection method: clinical testing. Allele origin: germline.
Comment: This sequence change replaces threonine, which is neutral and polar, with alanine, which is neutral and non-polar, at codon 2075 of the POLE protein (p.Thr2075Ala). This variant is not present in population databases (gnomAD no frequency). This variant has not been reported in the literature in individuals affected with POLE-related conditions. ClinVar contains an entry for this variant (Variation ID: 473786). Invitae Evidence Modeling of protein sequence and biophysical properties (such as structural, functional, and spatial information, amino acid conservation, physicochemical variation, residue mobility, and thermodynamic stability) indicates that this missense variant is not expected to disrupt POLE protein function with a negative predictive value of 80%. In summary, the available evidence is currently insufficient to determine the role of this variant in disease. Therefore, it has been classified as a Variant of Uncertain Significance.

NM_006231.4(POLE):c.6223A>G (p.Thr2075Ala)

Gene: POLE (DNA polymerase epsilon, catalytic subunit; minus strand). Cytogenetic location: 12q24.33.
Variant type: single nucleotide variant.
Coding change: c.6223A>G on transcript NM_006231.4 (MANE Select); coding-DNA position 6223, A replaced by G.
Protein change: p.Thr2075Ala; replaces threonine 2075 with alanine.
Molecular consequence: missense variant.
Genome position (GRCh38, 1-based): chr12:132,632,422, T>C on the plus strand (A>G on the coding strand, the complement: POLE is on the minus strand). VCF-style: chr12-132632422-T-C. GRCh37 (hg19) VCF-style: chr12-133209008-T-C.
Other names: short protein forms T2075A.
Identifiers: ClinVar variation 473786 (VCV000473786.14), dbSNP rs1326812680, ClinGen allele CA387369631.